The following is an entry in ClinVar:

ClinVar aggregate classification (germline): Pathogenic (0 of 4 stars; one submission).

Submission:

GenMed Metabolism Lab
Classification: Pathogenic. Review status: no assertion criteria provided. Collection method: not provided. Allele origin: unknown.
Comment: p.Ser146X, Neonatal
ClinVar note: Converted during submission from pathogenic to Pathogenic.

NM_000531.6(OTC):c.437C>G (p.Ser146Ter)

Gene: OTC (ornithine transcarbamylase; plus strand). Cytogenetic location: Xp11.4.
Variant type: single nucleotide variant.
Coding change: c.437C>G on transcript NM_000531.6 (MANE Select); coding-DNA position 437, C replaced by G.
Protein change: p.Ser146Ter; replaces serine 146 with a stop codon.
Molecular consequence: nonsense.
Genome position (GRCh38, 1-based): chrX:38,401,325, C>G. VCF-style: chrX-38401325-C-G. GRCh37 (hg19) VCF-style: chrX-38260578-C-G.
Other names: short protein forms S146*.
Identifiers: ClinVar variation 97201 (VCV000097201.2), dbSNP rs72556263, ClinGen allele CA224606.